The following is an entry in ClinVar:

ClinVar aggregate classification (germline): Uncertain significance (1 of 4 stars; one submission).

Submission:

Labcorp Genetics (formerly Invitae), Labcorp
Classification: Uncertain significance. Last evaluated: 2024-03-12. Review status: criteria provided, single submitter. Criteria: Invitae Variant Classification Sherloc (09022015). Collection method: clinical testing. Allele origin: germline.
Comment: This sequence change replaces alanine, which is neutral and non-polar, with threonine, which is neutral and polar, at codon 204 of the HOXA13 protein (p.Ala204Thr). This variant is not present in population databases (gnomAD no frequency). This variant has not been reported in the literature in individuals affected with HOXA13-related conditions. Advanced modeling of protein sequence and biophysical properties (such as structural, functional, and spatial information, amino acid conservation, physicochemical variation, residue mobility, and thermodynamic stability) performed at Invitae indicates that this missense variant is not expected to disrupt HOXA13 protein function with a negative predictive value of 80%. In summary, the available evidence is currently insufficient to determine the role of this variant in disease. Therefore, it has been classified as a Variant of Uncertain Significance.

NM_000522.5(HOXA13):c.610G>A (p.Ala204Thr)

Genes: HOXA13 (homeobox A13; minus strand), LOC107126288 (NUP98-HOXA13 recombination region; plus strand). Cytogenetic location: 7p15.2.
Variant type: single nucleotide variant.
Coding change: c.610G>A on transcript NM_000522.5 (MANE Select); coding-DNA position 610, G replaced by A.
Protein change: p.Ala204Thr; replaces alanine 204 with threonine.
Molecular consequence: missense variant.
Genome position (GRCh38, 1-based): chr7:27,199,468, C>T on the plus strand (G>A on the coding strand, the complement: HOXA13 is on the minus strand). VCF-style: chr7-27199468-C-T. GRCh37 (hg19) VCF-style: chr7-27239087-C-T.
Other names: short protein forms A204T.
Identifiers: ClinVar variation 3717474 (VCV003717474.2).
Genomic context (GRCh38, chr7:27,199,468, plus strand): 5'-GGGAGCTGAACTCCTCGGCAGCTGGGCCGGCGGTATCCATGTACTTGTCCGCGAAGGCGG[C>T]GGCGGCGGCGGCCGAGGCGGGCTGCGCGCACGACTTGATGGCGTTGGGGTGCGGGCCCAT-3'
Protein context (NP_000513.2, residues 194-214): CAQPASAAAA[Ala204Thr]AFADKYMDTA